The following is an entry in ClinVar:

NM_002529.4(NTRK1):c.905C>T (p.Pro302Leu)

Gene: NTRK1 (neurotrophic receptor tyrosine kinase 1; plus strand). Cytogenetic location: 1q23.1.
Variant type: single nucleotide variant.
Coding change: c.905C>T on transcript NM_002529.4 (MANE Select); coding-DNA position 905, C replaced by T.
Protein change: p.Pro302Leu; replaces proline 302 with leucine.
Molecular consequence: missense variant.
Genome position (GRCh38, 1-based): chr1:156,873,687, C>T. VCF-style: chr1-156873687-C-T. GRCh37 (hg19) VCF-style: chr1-156843479-C-T.
Other names: c.815C>T, p.Pro272Leu (NM_001007792.1); c.905C>T, p.Pro302Leu (NM_001012331.2); short protein forms P272L, P302L.
Identifiers: ClinVar variation 650105 (VCV000650105.6), dbSNP rs1181004723, ClinGen allele CA342935659.

ClinVar aggregate classification (germline): Uncertain significance (1 of 4 stars; one submission).

Conditions:
Hereditary insensitivity to pain with anhidrosis (CIPA). Also called: NTRK1 Congenital Insensitivity to Pain with Anhidrosis; NEUROPATHY, CONGENITAL SENSORY, WITH ANHIDROSIS; HSAN Type IV; hereditary sensory and autonomic neuropathy type 4; INSENSITIVITY TO PAIN, CONGENITAL, WITH ANHIDROSIS; FAMILIAL DYSAUTONOMIA, TYPE II. Identifiers: Orphanet 642, MedGen C0020074, MONDO:0009746, OMIM 256800.

Allele frequency attached by ClinVar (database versions not stated): gnomAD 0.00001.
gnomAD v4.1: 1 of 1,611,346 alleles (0.000062%); highest among the groups gnomAD compares: Non-Finnish European, 0.000085%; no homozygotes.

Submission:

Labcorp Genetics (formerly Invitae), Labcorp
Classification: Uncertain significance for Hereditary insensitivity to pain with anhidrosis. Last evaluated: 2021-08-28. Review status: criteria provided, single submitter. Criteria: Invitae Variant Classification Sherloc (09022015). Collection method: clinical testing. Allele origin: germline.
Comment: This sequence change replaces proline with leucine at codon 302 of the NTRK1 protein (p.Pro302Leu). The proline residue is highly conserved and there is a moderate physicochemical difference between proline and leucine. This variant is not present in population databases (ExAC no frequency). This variant has not been reported in the literature in individuals affected with NTRK1-related conditions. Algorithms developed to predict the effect of missense changes on protein structure and function (SIFT, PolyPhen-2, Align-GVGD) all suggest that this variant is likely to be disruptive. In summary, the available evidence is currently insufficient to determine the role of this variant in disease. Therefore, it has been classified as a Variant of Uncertain Significance.